The following is an entry in ClinVar:

NM_014625.4(NPHS2):c.102del (p.Gly35fs)

Gene: NPHS2 (NPHS2 stomatin family member, podocin; minus strand). Cytogenetic location: 1q25.2.
Variant type: Deletion.
Coding change: c.102del on transcript NM_014625.4 (MANE Select); coding-DNA position 102, one base deleted (A; older notation c.102delA).
Protein change: p.Gly35fs; shifts the reading frame from glycine 35.
Molecular consequence: frameshift variant.
Genome position (GRCh38, 1-based): chr1:179,575,763, T deleted on the plus strand (A on the coding strand, the reverse complement: NPHS2 is on the minus strand). VCF-style (leftmost placement, unchanged base first): chr1-179575762-CT-C. GRCh37 (hg19) VCF-style: chr1-179544897-CT-C.
Other names: c.102delA (NM_014625.4); c.102del, p.Gly35fs (NM_001297575.2); short protein forms G35fs.
Identifiers: ClinVar variation 4819379 (VCV004819379.1).
Genomic context (GRCh38, chr1:179,575,762, plus strand): 5'-CCGGGGTCCCCGCCCGTCCGGAGCCCGACGGCTCGGGCCCAGCCTCCTGGCGCCCGCGGC[CT>C]CCGCCGCTCCTCTCGGCCTTTGCCCTCTTGTTCTCCTTGTGCGGAGTCCTGCCGCCTCGC-3'

ClinVar aggregate classification (germline): Pathogenic (1 of 4 stars; one submission).

Conditions:
Focal segmental glomerulosclerosis (FSGS). Also called: Glomerulosclerosis, focal; Focal sclerosis with hyalinosis. Identifiers: MedGen C0017668, MONDO:0100313, HP:0000097. Disease mechanism: loss of function.

Submission:

Molecular Lab, University of Sulaimaniyah
Classification: Pathogenic for Focal segmental glomerulosclerosis. Last evaluated: 2026-03-22. Review status: criteria provided, single submitter. Criteria: ACMG Guidelines, 2015. Collection method: clinical testing. Allele origin: germline. Inheritance: Autosomal recessive inheritance. Affected: yes. Observed: 2 variant alleles, 2 homozygotes.
Comment: This variant was classified using the ACMG/AMP 2015 framework (PMID:25741868). PVS1 was applied because NPHS2 c.102delA (p.Gly35AlafsTer64) is a predicted loss-of-function frameshift variant expected to introduce a premature termination codon. PM2 was considered because the variant is absent or not reported in population databases. As internal case-level support, the variant was observed in 2 affected individual(s) from a biopsy-proven focal segmental glomerulosclerosis cohort, including 2 homozygote(s). Overall, the submitted evidence supported a Pathogenic classification.